The following is an entry in ClinVar:

NM_006648.4(WNK2):c.6397A>C (p.Thr2133Pro)

Gene: WNK2 (WNK lysine deficient protein kinase 2; plus strand). Cytogenetic location: 9q22.31.
Variant type: single nucleotide variant.
Coding change: c.6397A>C on transcript NM_006648.4 (MANE Select); coding-DNA position 6397, A replaced by C.
Protein change: p.Thr2133Pro; replaces threonine 2133 with proline.
Molecular consequence: missense variant.
Genome position (GRCh38, 1-based): chr9:93,308,465, A>C. VCF-style: chr9-93308465-A-C. GRCh37 (hg19) VCF-style: chr9-96070747-A-C.
Other names: c.6508A>C, p.Thr2170Pro (NM_001282394.3); short protein forms T2170P, T2133P.
Identifiers: ClinVar variation 3470436 (VCV003470436.1).

ClinVar aggregate classification (germline): Uncertain significance (1 of 4 stars; one submission).

Submission:

Ambry Genetics
Classification: Uncertain significance. Last evaluated: 2024-11-26. Review status: criteria provided, single submitter. Criteria: Ambry Variant Classification Scheme 2023. Collection method: clinical testing. Allele origin: germline.
Comment: The p.T2133P variant (also known as c.6397A>C), located in coding exon 27 of the WNK2 gene, results from an A to C substitution at nucleotide position 6397. The threonine at codon 2133 is replaced by proline, an amino acid with highly similar properties. This amino acid position is conserved. In addition, the in silico prediction for this alteration is inconclusive. Based on the available evidence, the clinical significance of this variant remains unclear.